The following is an entry in ClinVar:

NM_001378615.1(CC2D2A):c.2095C>T (p.Arg699Trp)

Genes: CC2D2A (coiled-coil and C2 domain containing 2A; plus strand), FBXL5 (F-box and leucine rich repeat protein 5; minus strand). Cytogenetic location: 4p15.32.
Variant type: single nucleotide variant.
Coding change: c.2095C>T on transcript NM_001378615.1 (MANE Select); coding-DNA position 2095, C replaced by T.
Protein change: p.Arg699Trp; replaces arginine 699 with tryptophan.
Molecular consequence: missense variant.
Genome position (GRCh38, 1-based): chr4:15,540,928, C>T. VCF-style: chr4-15540928-C-T. GRCh37 (hg19) VCF-style: chr4-15542551-C-T.
Other names: c.2095C>T, p.Arg699Trp (NM_001080522.2); c.1948C>T, p.Arg650Trp (NM_001378617.1); short protein forms R650W, R699W.
Identifiers: ClinVar variation 1053224 (VCV001053224.6), dbSNP rs754058720, ClinGen allele CA2863845.
Genomic context (GRCh38, chr4:15,540,928, plus strand): 5'-AAGCGCTCAGTGTACTTAAAAGTGCTGTTCAACAACAAGGAGGTGTCCAGGACAGTCAGT[C>T]GGCCACTAGGAGCAGACTTCCGAGTTCACTTTGGGCAGATTTTCAATTTGCAAATAGTCA-3'
Protein context (NP_001365544.1, residues 689-709): NNKEVSRTVS[Arg699Trp]PLGADFRVHF

ClinVar aggregate classification (germline): Uncertain significance (1 of 4 stars; one submission).

Conditions:
Joubert syndrome. Also called: JOUBERT-BOLTSHAUSER SYNDROME; Familial aplasia of the vermis. Identifiers: Orphanet 475, MedGen C5979921, MONDO:0018772.
Meckel-Gruber syndrome. Also called: Dysencephalia splachnocystica; DYSENCEPHALIA SPLANCHNOCYSTICA; GRUBER SYNDROME. Identifiers: Orphanet 564, MedGen C0265215, MONDO:0018921.

Allele frequency attached by ClinVar (database versions not stated): gnomAD 0.00001; gnomAD exomes 0.00001; TOPMed 0.00001; ExAC 0.00003.
gnomAD v4.1: 14 of 1,573,670 alleles (0.00089%); highest among the groups gnomAD compares: South Asian, 0.0012%; no homozygotes.

Submission:

Labcorp Genetics (formerly Invitae), Labcorp
Classification: Uncertain significance for Joubert syndrome; Meckel-Gruber syndrome. Last evaluated: 2021-08-26. Review status: criteria provided, single submitter. Criteria: Invitae Variant Classification Sherloc (09022015). Collection method: clinical testing. Allele origin: germline.
Comment: This sequence change replaces arginine with tryptophan at codon 699 of the CC2D2A protein (p.Arg699Trp). The arginine residue is moderately conserved and there is a moderate physicochemical difference between arginine and tryptophan. This variant is present in population databases (rs754058720, ExAC 0.006%). This variant has not been reported in the literature in individuals affected with CC2D2A-related conditions. Algorithms developed to predict the effect of missense changes on protein structure and function are either unavailable or do not agree on the potential impact of this missense change (SIFT: "Tolerated"; PolyPhen-2: "Probably Damaging"; Align-GVGD: "Class C0"). In summary, the available evidence is currently insufficient to determine the role of this variant in disease. Therefore, it has been classified as a Variant of Uncertain Significance.